The following is an entry in ClinVar:

NM_001999.4(FBN2):c.3175G>T (p.Ala1059Ser)

Genes: FBN2 (fibrillin 2; minus strand), LOC126807501 (BRD4-independent group 4 enhancer GRCh37_chr5:127680731-127681930; plus strand). Cytogenetic location: 5q23.3.
Variant type: single nucleotide variant.
Coding change: c.3175G>T on transcript NM_001999.4 (MANE Select); coding-DNA position 3175, G replaced by T.
Protein change: p.Ala1059Ser; replaces alanine 1059 with serine.
Molecular consequence: missense variant.
Genome position (GRCh38, 1-based): chr5:128,345,399, C>A on the plus strand (G>T on the coding strand, the complement: FBN2 is on the minus strand). VCF-style: chr5-128345399-C-A. GRCh37 (hg19) VCF-style: chr5-127681091-C-A.
Other names: short protein forms A1059S.
Identifiers: ClinVar variation 5021616 (VCV005021616.1).

ClinVar aggregate classification (germline): Uncertain significance (1 of 4 stars; one submission).

Conditions:
Familial thoracic aortic aneurysm and aortic dissection (TAAD). Also called: Thoracic aortic aneurysms and dissections. Identifiers: Orphanet 91387, MedGen C4707243, MONDO:0019625.

Submission:

Ambry Genetics
Classification: Uncertain significance for Familial thoracic aortic aneurysm and aortic dissection. Last evaluated: 2026-06-18. Review status: criteria provided, single submitter. Criteria: Ambry Variant Classification Scheme 2023. Collection method: clinical testing. Allele origin: germline.
Comment: The p.A1059S variant (also known as c.3175G>T), located in coding exon 24 of the FBN2 gene, results from a G to T substitution at nucleotide position 3175. The alanine at codon 1059 is replaced by serine, an amino acid with similar properties. This amino acid position is conserved. In addition, this alteration is predicted to be tolerated by in silico analysis. Based on the available evidence, the clinical significance of this variant remains unclear.